The following is an entry in ClinVar:

ClinVar aggregate classification (germline): Conflicting classifications of pathogenicity. Review status: criteria provided, conflicting classifications (1 of 4 stars). 11 submissions from 11 submitters: Uncertain significance (7); Likely benign (2). 2 of the submissions do not count toward it. Last evaluated 2026-01-26.

Conditions:
Hereditary cancer-predisposing syndrome. Also called: Hereditary neoplastic syndrome; Neoplastic Syndromes, Hereditary; Hereditary Cancer Syndrome; Tumor predisposition. Identifiers: Orphanet 140162, MedGen C0027672, MeSH D009386, MONDO:0015356.
Rothmund-Thomson syndrome type 2 (RTS2). Identifiers: Orphanet 221016, MedGen C5203410, MONDO:0016369, OMIM 268400.
RECQL4-related disorder. Also called: RECQL4-related disorders; RECQL4-related condition.
Baller-Gerold syndrome (BGS). Also called: CRANIOSYNOSTOSIS WITH RADIAL DEFECTS. Identifiers: Orphanet 1225, MedGen C0265308, MONDO:0009039, OMIM 218600.
Rapadilino syndrome. Identifiers: Orphanet 3021, MedGen C1849453, MONDO:0009955, OMIM 266280.
Rothmund-Thomson syndrome (RTS). Also called: Poikiloderma Congenitale; Poikiloderma of Rothmund-Thomson. Identifiers: Orphanet 2909, MedGen C0032339, MONDO:0010002.

Allele frequency attached by ClinVar (database versions not stated): gnomAD exomes 0.00012; ExAC 0.00023; gnomAD 0.00046 and 0.00049; 1000 Genomes Project 30x 0.00047; ESP Exome Variant Server 0.00056; TOPMed 0.00058; 1000 Genomes Project 0.00060.
gnomAD v4.1: 166 of 1,579,702 alleles (0.011%); highest among the groups gnomAD compares: African/African-American, 0.16%; no homozygotes.

Submissions (11):

Labcorp Genetics (formerly Invitae), Labcorp
Classification: Likely benign for Baller-Gerold syndrome. Last evaluated: 2026-01-26. Review status: criteria provided, single submitter. Criteria: Invitae Variant Classification Sherloc (09022015). Collection method: clinical testing. Allele origin: germline.

Blueprint Genetics
Classification: Likely benign. Last evaluated: 2024-08-30. Review status: criteria provided, single submitter. Criteria: ACMG Guidelines, 2015. Collection method: clinical testing. Allele origin: germline.

CeGaT Center for Human Genetics Tuebingen
Classification: Uncertain significance. Last evaluated: 2024-07-01. Review status: criteria provided, single submitter. Criteria: CeGaT Center For Human Genetics Tuebingen Variant Classification Criteria Version 2. Collection method: clinical testing. Allele origin: germline. Affected: yes. Observed: 1 variant allele.
Comment: RECQL4: PM2, BP4

Daryl Scott Lab, Baylor College of Medicine
Classification: Uncertain significance for RECQL4-related disorder. Last evaluated: 2024-01-01. Review status: criteria provided, single submitter. Criteria: ACMG Guidelines, 2015. Collection method: clinical testing. Allele origin: paternal. Observed: 1 heterozygote.
Comment: BP4

Sema4
Classification: Uncertain significance for Hereditary cancer-predisposing syndrome. Last evaluated: 2021-07-30. Review status: criteria provided, single submitter. Criteria: Sema4 Curation Guidelines. Collection method: curation. Allele origin: germline.
Comment: The RECQL4 c.2543G>A (p.R848H) variant has not been reported in the literature to our knowledge. It was observed in 29/19766 chromosomes of the African/African American subpopulation, with no homozygotes, in the large and broad cohorts of the Genome Aggregation Database (PMID: 32461654). The variant has been reported in ClinVar (Variation ID 459412). In silico tools suggest the impact of the variant on protein function is benign, though these predictions have not been confirmed by functional studies.The evidence is insufficient to meet ACMG/AMP criteria for classifying the variant as benign or pathogenic. Thus, the clinical significance of this variant is currently uncertain.

Baylor Genetics
Classification: Uncertain significance for Rothmund-Thomson syndrome type 2. Last evaluated: 2020-12-04. Review status: criteria provided, single submitter. Criteria: ACMG Guidelines, 2015. Collection method: clinical testing. Allele origin: unknown. Affected: yes. Study: CSER-TexasKidsCanSeq.
Comment: This variant was determined to be of uncertain significance according to ACMG Guidelines, 2015 [PMID:25741868].

GeneDx
Classification: Uncertain significance. Last evaluated: 2019-09-01. Review status: criteria provided, single submitter. Criteria: GeneDx Variant Classification Process June 2021. Collection method: clinical testing. Allele origin: germline. Affected: yes.
Comment: In silico analysis, which includes protein predictors and evolutionary conservation, supports a deleterious effect; Has not been previously published as pathogenic or benign to our knowledge

Fulgent Genetics
Classification: Uncertain significance for Baller-Gerold syndrome; Rapadilino syndrome; Rothmund-Thomson syndrome type 2. Last evaluated: 2018-10-31. Review status: criteria provided, single submitter. Criteria: ACMG Guidelines, 2015. Collection method: clinical testing. Allele origin: unknown.

Eurofins Ntd Llc (ga)
Classification: Uncertain significance. Last evaluated: 2017-04-13. Review status: criteria provided, single submitter. Criteria: EGL Classification Definitions 2015. Collection method: clinical testing. Allele origin: germline. Observed: 1 variant allele, 1 heterozygote.

PreventionGenetics, part of Exact Sciences
Classification: Uncertain significance for RECQL4-related condition. Last evaluated: 2024-07-01. Review status: no assertion criteria provided. Collection method: clinical testing. Allele origin: germline. Not counted in ClinVar's aggregate classification.
Comment: The RECQL4 c.2543G>A variant is predicted to result in the amino acid substitution p.Arg848His. To our knowledge, this variant has not been reported in the literature. This variant is reported in 0.15% of alleles in individuals of African descent in gnomAD. It has conflicting interpretations regarding its pathogenicity in ClinVar, ranging from uncertain significance to likely benign; however, the majority of ClinVar submitters favor uncertain. Although we suspect that this variant may be benign, at this time, the clinical significance of this variant is uncertain due to the absence of conclusive functional and genetic evidence.

Genetic Services Laboratory, University of Chicago
Classification: Uncertain significance. Last evaluated: 2022-11-29. Review status: no assertion criteria provided. Collection method: clinical testing. Allele origin: germline. Affected: no. Not counted in ClinVar's aggregate classification.
Comment: DNA sequence analysis of the RECQL4 gene demonstrated a sequence change, c.2543G>A, in exon 15 that results in an amino acid change, p.Arg848His. This sequence change does not appear to have been previously described in individuals with RECQL4-related disorders. This sequence change has been described in the gnomAD database with a frequency of 0.15% in the African American subpopulation (dbSNP rs368989729). The p.Arg848His change affects a poorly conserved amino acid residue located in a domain of the RECQL4 protein that is known to be functional. In-silico pathogenicity prediction tools (SIFT, PolyPhen2, Align GVGD) provide contradictory results for the p.Arg848His substitution. Due to insufficient evidences and the lack of functional studies, the clinical significance of the p.Arg848His change remains unknown at this time.

NM_004260.4(RECQL4):c.2543G>A (p.Arg848His)

Gene: RECQL4 (RecQ like helicase 4; minus strand). Cytogenetic location: 8q24.3.
Variant type: single nucleotide variant.
Coding change: c.2543G>A on transcript NM_004260.4 (MANE Select); coding-DNA position 2543, G replaced by A.
Protein change: p.Arg848His; replaces arginine 848 with histidine.
Molecular consequence: missense variant.
Genome position (GRCh38, 1-based): chr8:144,513,059, C>T on the plus strand (G>A on the coding strand, the complement: RECQL4 is on the minus strand). VCF-style: chr8-144513059-C-T. GRCh37 (hg19) VCF-style: chr8-145738442-C-T.
Other names: short protein forms R848H.
Identifiers: ClinVar variation 459412 (VCV000459412.41), dbSNP rs368989729, ClinGen allele CA4948194.